The following is an entry in ClinVar:

ClinVar aggregate classification (germline): Uncertain significance (1 of 4 stars; one submission).

Conditions:
Duchenne muscular dystrophy (DMD). Also called: MUSCULAR DYSTROPHY, PSEUDOHYPERTROPHIC PROGRESSIVE, DUCHENNE TYPE; Duchenne Muscular Dystrophy (DMD). Identifiers: Orphanet 98896, MedGen C0013264, MONDO:0010679, OMIM 310200.

Submission:

Labcorp Genetics (formerly Invitae), Labcorp
Classification: Uncertain significance for Duchenne muscular dystrophy. Last evaluated: 2021-09-06. Review status: criteria provided, single submitter. Criteria: Invitae Variant Classification Sherloc (09022015). Collection method: clinical testing. Allele origin: germline.
Comment: This sequence change replaces methionine with isoleucine at codon 1173 of the DMD protein (p.Met1173Ile). The methionine residue is moderately conserved and there is a small physicochemical difference between methionine and isoleucine. This variant is not present in population databases (ExAC no frequency). This variant has not been reported in the literature in individuals affected with DMD-related conditions. Algorithms developed to predict the effect of missense changes on protein structure and function output the following: SIFT: "Tolerated"; PolyPhen-2: "Benign"; Align-GVGD: "Class C0". The isoleucine amino acid residue is found in multiple mammalian species, which suggests that this missense change does not adversely affect protein function. In summary, the available evidence is currently insufficient to determine the role of this variant in disease. Therefore, it has been classified as a Variant of Uncertain Significance.

NM_004006.3(DMD):c.3519G>T (p.Met1173Ile)

Gene: DMD (dystrophin; minus strand). Cytogenetic location: Xp21.1.
Variant type: single nucleotide variant.
Coding change: c.3519G>T on transcript NM_004006.3 (MANE Select); coding-DNA position 3519, G replaced by T.
Protein change: p.Met1173Ile; replaces methionine 1173 with isoleucine.
Molecular consequence: missense variant.
Genome position (GRCh38, 1-based): chrX:32,454,746, C>A on the plus strand (G>T on the coding strand, the complement: DMD is on the minus strand). VCF-style: chrX-32454746-C-A. GRCh37 (hg19) VCF-style: chrX-32472863-C-A.
Other names: c.3495G>T, p.Met1165Ile (NM_000109.4); c.3507G>T, p.Met1169Ile (NM_004009.3); c.3150G>T, p.Met1050Ile (NM_004010.3); short protein forms M1050I, M1169I, M1173I, M1165I.
Identifiers: ClinVar variation 1379886 (VCV001379886.6), dbSNP rs2148348911, ClinGen allele CA412663197.